The following is an entry in ClinVar:

ClinVar aggregate classification (germline): Likely benign. Review status: criteria provided, multiple submitters, no conflicts (2 of 4 stars). 2 submissions from 2 submitters: Likely benign (2). Last evaluated 2023-05-22.

Conditions:
Left ventricular noncompaction 1 (LVNC1). Also called: LEFT VENTRICULAR NONCOMPACTION 1 WITH OR WITHOUT CONGENITAL HEART DEFECTS. Identifiers: Orphanet 54260, MedGen C1858725, MONDO:0011403, OMIM 604169.

Allele frequency attached by ClinVar (database versions not stated): TOPMed 0.00001; ESP Exome Variant Server 0.00008.
gnomAD v4.1: 28 of 1,613,570 alleles (0.0017%); highest among the groups gnomAD compares: Non-Finnish European, 0.0024%; no homozygotes.

Submissions (2):

Labcorp Genetics (formerly Invitae), Labcorp
Classification: Likely benign for Left ventricular noncompaction 1. Last evaluated: 2023-05-22. Review status: criteria provided, single submitter. Criteria: Invitae Variant Classification Sherloc (09022015). Collection method: clinical testing. Allele origin: germline.

GeneDx
Classification: Likely benign. Last evaluated: 2017-07-18. Review status: criteria provided, single submitter. Criteria: GeneDx Variant Classification (06012015). Collection method: clinical testing. Allele origin: germline. Affected: yes.
Comment: This variant is considered likely benign or benign based on one or more of the following criteria: it is a conservative change, it occurs at a poorly conserved position in the protein, it is predicted to be benign by multiple in silico algorithms, and/or has population frequency not consistent with disease.

NM_001386795.1(DTNA):c.2295+10T>C

Gene: DTNA (dystrobrevin alpha; plus strand). Cytogenetic location: 18q12.1.
Variant type: single nucleotide variant.
Coding change: c.2295+10T>C on transcript NM_001386795.1 (MANE Select); 10 bases into the intron after coding-DNA position 2295, T replaced by C.
Molecular consequence: intron variant.
Genome position (GRCh38, 1-based): chr18:34,882,211, T>C. VCF-style: chr18-34882211-T-C. GRCh37 (hg19) VCF-style: chr18-32462175-T-C.
Other names: c.2043+10T>C (NM_032975.4, NM_001386761.1); c.2040+10T>C (NM_001386762.1); c.2124+10T>C (NM_001386754.1, NM_001386755.1, NM_001386757.1 and 3 more transcripts); c.2121+10T>C (NM_001386760.1); c.2034+10T>C (NM_001386763.1, NM_001386764.1, NM_001198940.2 and 5 more transcripts); c.2031+10T>C (NM_001386768.1, NM_001386769.1); c.2055+10T>C (NM_001198939.2); c.2295+10T>C (NM_001386788.1); and 5 more.
Identifiers: ClinVar variation 510930 (VCV000510930.4), dbSNP rs376012937, ClinGen allele CA8935977.